The following is an entry in ClinVar:

ClinVar aggregate classification (germline): Pathogenic (1 of 4 stars; one submission).

Conditions:
Developmental and epileptic encephalopathy. Identifiers: MedGen C5779964, MONDO:0100620.

Submission:

Labcorp Genetics (formerly Invitae), Labcorp
Classification: Pathogenic for Early-infantile DEE. Last evaluated: 2018-04-26. Review status: criteria provided, single submitter. Criteria: Invitae Variant Classification Sherloc (09022015). Collection method: clinical testing. Allele origin: germline.
Comment: This sequence change creates a premature translational stop signal (p.Asp282Alafs*37) in the KCNQ2 gene. It is expected to result in an absent or disrupted protein product. This variant is not present in population databases (ExAC no frequency). This variant has not been reported in the literature in individuals with KCNQ2-related disease. Loss-of-function variants in KCNQ2 are known to be pathogenic (PMID: 14534157). For these reasons, this variant has been classified as Pathogenic.

Literature cited by the submitters: PubMed 14534157.

NM_172107.4(KCNQ2):c.845del (p.Asp282fs)

Gene: KCNQ2 (potassium voltage-gated channel subfamily Q member 2; minus strand). Cytogenetic location: 20q13.33.
Variant type: Deletion.
Coding change: c.845del on transcript NM_172107.4 (MANE Select); coding-DNA position 845, one base deleted (A; older notation c.845delA).
Protein change: p.Asp282fs; shifts the reading frame from aspartic acid 282.
Molecular consequence: frameshift variant.
Genome position (GRCh38, 1-based): chr20:63,439,680, T deleted on the plus strand (A on the coding strand, the reverse complement: KCNQ2 is on the minus strand). VCF-style (leftmost placement, unchanged base first): chr20-63439679-GT-G. GRCh37 (hg19) VCF-style: chr20-62071032-GT-G.
Other names: c.845del, p.Asp282fs (NM_004518.6, NM_172106.3, NM_172108.5 and 1 more transcripts); short protein forms D282fs.
Identifiers: ClinVar variation 574311 (VCV000574311.3), dbSNP rs1568927747, ClinGen allele CA891843763.